The following is an entry in ClinVar:

ClinVar aggregate classification (germline): Likely benign (0 of 4 stars; one submission).

Conditions:
MYPN-related disorder. Also called: MYPN-related condition.

Submission:

PreventionGenetics, part of Exact Sciences
Classification: Likely benign for MYPN-related condition. Last evaluated: 2023-03-26. Review status: no assertion criteria provided. Collection method: clinical testing. Allele origin: germline.
Comment: This variant is classified as likely benign based on ACMG/AMP sequence variant interpretation guidelines (Richards et al. 2015 PMID: 25741868, with internal and published modifications).

NM_032578.4(MYPN):c.903-6199A>G

Gene: MYPN (myopalladin; plus strand). Cytogenetic location: 10q21.3.
Variant type: single nucleotide variant.
Coding change: c.903-6199A>G on transcript NM_032578.4 (MANE Select); 6199 bases into the intron before coding-DNA position 903, A replaced by G.
Molecular consequence: intron variant.
Genome position (GRCh38, 1-based): chr10:68,136,741, A>G. VCF-style: chr10-68136741-A-G. GRCh37 (hg19) VCF-style: chr10-69896498-A-G.
Other names: c.903-6199A>G (NM_001256267.2); c.20+10A>G (NM_001256268.2).
Identifiers: ClinVar variation 3047381 (VCV003047381.2), dbSNP rs2495545931, ClinGen allele CA2740093000.